The following is an entry in ClinVar:

ClinVar aggregate classification (germline): Conflicting classifications of pathogenicity. Review status: criteria provided, conflicting classifications (1 of 4 stars). 4 submissions from 4 submitters: Likely pathogenic (1); Uncertain significance (3). Last evaluated 2025-10-02.

Allele frequency attached by ClinVar (database versions not stated): gnomAD 0.00001; gnomAD exomes 0.00001 and 0.00003; TOPMed 0.00001; ExAC 0.00002.
gnomAD v4.1: 52 of 1,613,570 alleles (0.0032%); highest among the groups gnomAD compares: Non-Finnish European, 0.0042%; no homozygotes.

Submissions (4):

Labcorp Genetics (formerly Invitae), Labcorp
Classification: Uncertain significance. Last evaluated: 2025-10-02. Review status: criteria provided, single submitter. Criteria: Invitae Variant Classification Sherloc (09022015). Collection method: clinical testing. Allele origin: germline.
Comment: This sequence change replaces tyrosine, which is neutral and polar, with asparagine, which is neutral and polar, at codon 156 of the POGLUT1 protein (p.Tyr156Asn). This variant is present in population databases (rs751780827, gnomAD 0.003%). This missense change has been observed in individual(s) with limb-girdle muscular dystrophy (PMID: 31897643). In at least one individual the data is consistent with being in trans (on the opposite chromosome) from a pathogenic variant. It has also been observed to segregate with disease in related individuals. ClinVar contains an entry for this variant (Variation ID: 1298932). Invitae Evidence Modeling of protein sequence and biophysical properties (such as structural, functional, and spatial information, amino acid conservation, physicochemical variation, residue mobility, and thermodynamic stability) indicates that this missense variant is not expected to disrupt POGLUT1 protein function with a negative predictive value of 80%. In summary, the available evidence is currently insufficient to determine the role of this variant in disease. Therefore, it has been classified as a Variant of Uncertain Significance.

Women's Health and Genetics/Laboratory Corporation of America, LabCorp
Classification: Uncertain significance. Last evaluated: 2023-11-24. Review status: criteria provided, single submitter. Criteria: LabCorp Variant Classification Summary - May 2015. Collection method: clinical testing. Allele origin: germline.
Comment: Variant summary: POGLUT1 c.466T>A (p.Tyr156Asn) results in a non-conservative amino acid change to a highly conserved residue (HGMD) located in the Glycosyl transferase CAP10 domain (IPR006598) of the encoded protein sequence. Four of five in-silico tools predict a damaging effect of the variant on protein function. The variant allele was found at a frequency of 1.2e-05 in 251218 control chromosomes (gnomAD). c.466T>A has been reported in the literature in related individuals affected with adult onset limb-girdle muscular dystrophy who were reported as compound heterozygous with a pathogenic variant (Servian-Morilla_2020). These data indicate that the variant may be associated with disease. To our knowledge, no experimental evidence demonstrating an impact on protein function has been reported. The following publication has been ascertained in the context of this evaluation (PMID: 31897643). Three submitters have cited clinical-significance assessments for this variant to ClinVar after 2014, and classified it as uncertain significance (n=2) or likely pathogenic (n=1). Based on the evidence outlined above, the variant was classified as VUS-possibly pathogenic.

CeGaT Center for Human Genetics Tuebingen
Classification: Likely pathogenic. Last evaluated: 2021-07-01. Review status: criteria provided, single submitter. Criteria: CeGaT Center For Human Genetics Tuebingen Variant Classification Criteria Version 2. Collection method: clinical testing. Allele origin: germline. Affected: yes. Observed: 1 variant allele.

Revvity Omics, Revvity
Classification: Uncertain significance. Last evaluated: 2020-03-16. Review status: criteria provided, single submitter. Criteria: ACMG Guidelines, 2015. Collection method: clinical testing. Allele origin: germline.

Literature cited by the submitters: PubMed 31897643 (cited by Labcorp Genetics (formerly Invitae), Labcorp and Women's Health and Genetics/Laboratory Corporation of America, LabCorp).

NM_152305.3(POGLUT1):c.466T>A (p.Tyr156Asn)

Gene: POGLUT1 (protein O-glucosyltransferase 1; plus strand). Cytogenetic location: 3q13.33.
Variant type: single nucleotide variant.
Coding change: c.466T>A on transcript NM_152305.3 (MANE Select); coding-DNA position 466, T replaced by A.
Protein change: p.Tyr156Asn; replaces tyrosine 156 with asparagine.
Molecular consequence: missense variant. On other transcripts: non-coding transcript variant (1).
Genome position (GRCh38, 1-based): chr3:119,480,060, T>A. VCF-style: chr3-119480060-T-A. GRCh37 (hg19) VCF-style: chr3-119198907-T-A.
Other names: c.466T>A (NM_152305.2); short protein forms Y156N.
Identifiers: ClinVar variation 1298932 (VCV001298932.43), dbSNP rs751780827, ClinGen allele CA2554890.